The following is an entry in ClinVar:

NM_004464.4(FGF5):c.279C>A (p.Cys93Ter)

Gene: FGF5 (fibroblast growth factor 5; plus strand). Cytogenetic location: 4q21.21.
Variant type: single nucleotide variant.
Coding change: c.279C>A on transcript NM_004464.4 (MANE Select); coding-DNA position 279, C replaced by A.
Protein change: p.Cys93Ter; replaces cysteine 93 with a stop codon.
Molecular consequence: nonsense.
Genome position (GRCh38, 1-based): chr4:80,267,103, C>A. VCF-style: chr4-80267103-C-A. GRCh37 (hg19) VCF-style: chr4-81188257-C-A.
Other names: c.279C>A, p.Cys93Ter (NM_033143.2); short protein forms C93*.
Identifiers: ClinVar variation 4850303 (VCV004850303.1).
Genomic context (GRCh38, chr4:80,267,103, plus strand): 5'-CTTGGAGCAGAGCAGTTTCCAGTGGAGCCCCTCGGGGCGCCGGACCGGCAGCCTCTACTG[C>A]AGAGTGGGCATCGGTTTCCATCTGCAGATCTACCCGGATGGCAAAGTCAATGGATCCCAC-3'

ClinVar aggregate classification (germline): Likely pathogenic (1 of 4 stars; one submission).

Conditions:
Trichomegaly (TCMGLY). Identifiers: MedGen C0854699, MONDO:0008593, OMIM 190330.

gnomAD v4.1: 4 of 1,614,214 alleles (0.00025%); highest among the groups gnomAD compares: Non-Finnish European, 0.00034%; no homozygotes.

Submission:

First Genomix Gene Laboratory, Genetic Diagnostics Department
Classification: Likely pathogenic for Trichomegaly. Last evaluated: 2025-09-19. Review status: criteria provided, single submitter. Criteria: ACMG Guidelines, 2015. Collection method: clinical testing. Allele origin: germline. Inheritance: Autosomal recessive inheritance. Affected: no. Observed: 1 variant allele.